The following is an entry in ClinVar:

NM_000264.5(PTCH1):c.4202A>G (p.Tyr1401Cys)

Gene: PTCH1 (patched 1; minus strand). Cytogenetic location: 9q22.32.
Variant type: single nucleotide variant.
Coding change: c.4202A>G on transcript NM_000264.5 (MANE Select); coding-DNA position 4202, A replaced by G.
Protein change: p.Tyr1401Cys; replaces tyrosine 1401 with cysteine.
Molecular consequence: missense variant. On other transcripts: non-coding transcript variant (1).
Genome position (GRCh38, 1-based): chr9:95,447,054, T>C on the plus strand (A>G on the coding strand, the complement: PTCH1 is on the minus strand). VCF-style: chr9-95447054-T-C. GRCh37 (hg19) VCF-style: chr9-98209336-T-C.
Other names: c.4004A>G, p.Tyr1335Cys (NM_001083602.3); c.4199A>G, p.Tyr1400Cys (NM_001083603.3); c.3749A>G, p.Tyr1250Cys (NM_001083604.3, NM_001083605.3, NM_001083606.3 and 1 more transcripts); c.4046A>G, p.Tyr1349Cys (NM_001354918.2); short protein forms Y1335C, Y1349C, Y1401C, Y1250C, Y1400C.
Identifiers: ClinVar variation 841850 (VCV000841850.15), dbSNP rs1837975310, ClinGen allele CA374110129.
Genomic context (GRCh38, chr9:95,447,054, plus strand): 5'-TCACACCGGACGTGGAAAGGCACGTGGGGGTCCTCAAACAGGCCGTGGTCAGTCTCAGGG[T>C]AGCCTGGGCAGAGTCCCCCTCGGGGGTTCCGCCCAGGCCCAGGGACAGGCGGCGGGTGCA-3'
Protein context (NP_000255.2, residues 1391-1411): RNPRGGLCPG[Tyr1401Cys]PETDHGLFED

ClinVar aggregate classification (germline): Uncertain significance. Review status: criteria provided, multiple submitters, no conflicts (2 of 4 stars). 3 submissions from 3 submitters: Uncertain significance (3). Last evaluated 2025-11-17.

Conditions:
Gorlin syndrome. Also called: Nevoid Basal Cell Carcinoma Syndrome; Basal cell nevus syndrome. Identifiers: Orphanet 377, MedGen C0004779, MONDO:0007187.
Hereditary cancer-predisposing syndrome. Also called: Neoplastic Syndromes, Hereditary; Hereditary neoplastic syndrome; Tumor predisposition; Hereditary Cancer Syndrome. Identifiers: Orphanet 140162, MedGen C0027672, MeSH D009386, MONDO:0015356.

Allele frequency attached by ClinVar (database versions not stated): TOPMed 0.00001.

Submissions (3):

Labcorp Genetics (formerly Invitae), Labcorp
Classification: Uncertain significance for Gorlin syndrome. Last evaluated: 2025-11-17. Review status: criteria provided, single submitter. Criteria: Invitae Variant Classification Sherloc (09022015). Collection method: clinical testing. Allele origin: germline.
Comment: This sequence change replaces tyrosine, which is neutral and polar, with cysteine, which is neutral and slightly polar, at codon 1401 of the PTCH1 protein (p.Tyr1401Cys). This variant is not present in population databases (gnomAD no frequency). This missense change has been observed in individual(s) with kidney cancer (PMID: 35957908). ClinVar contains an entry for this variant (Variation ID: 841850). Invitae Evidence Modeling of protein sequence and biophysical properties (such as structural, functional, and spatial information, amino acid conservation, physicochemical variation, residue mobility, and thermodynamic stability) indicates that this missense variant is not expected to disrupt PTCH1 protein function with a negative predictive value of 95%. In summary, the available evidence is currently insufficient to determine the role of this variant in disease. Therefore, it has been classified as a Variant of Uncertain Significance.

Dasa
Classification: Uncertain significance. Last evaluated: 2025-04-24. Review status: criteria provided, single submitter. Criteria: DASA Assertion Criteria. Collection method: clinical testing. Allele origin: germline.
Comment: NM_000264.5(PTCH1):c.4202A>G (p.Tyr1401Cys) is a missense variant that results in the substitution of tyrosine with cysteine. This variant is absent from population databases. Computational prediction algorithms are consistent with a benign effect. The currently available literature and clinical evidence are not sufficient to establish a definitive association between this variant and the reported condition. Therefore, this variant is classified as a variant of uncertain significance.

Ambry Genetics
Classification: Uncertain significance for Hereditary cancer-predisposing syndrome. Last evaluated: 2024-10-20. Review status: criteria provided, single submitter. Criteria: Ambry Variant Classification Scheme 2023. Collection method: clinical testing. Allele origin: germline.
Comment: The p.Y1401C variant (also known as c.4202A>G), located in coding exon 23 of the PTCH1 gene, results from an A to G substitution at nucleotide position 4202. The tyrosine at codon 1401 is replaced by cysteine, an amino acid with highly dissimilar properties. This amino acid position is conserved. In addition, this alteration is predicted to be tolerated by in silico analysis. Since supporting evidence is limited at this time, the clinical significance of this alteration remains unclear.

Literature cited by the submitters: PubMed 35957908 (cited by Labcorp Genetics (formerly Invitae), Labcorp).